The following is an entry in ClinVar:

ClinVar aggregate classification (germline): Likely pathogenic (1 of 4 stars; one submission).

gnomAD v4.1: 1 of 1,609,634 alleles (0.000062%); highest among the groups gnomAD compares: Non-Finnish European, 0.000085%; no homozygotes.

Submission:

GeneDx
Classification: Likely pathogenic. Last evaluated: 2022-06-17. Review status: criteria provided, single submitter. Criteria: GeneDx Variant Classification Process June 2021. Collection method: clinical testing. Allele origin: germline. Affected: yes.
Comment: Nonsense variant predicted to result in protein truncation or nonsense mediated decay in a gene for which loss of function is a known mechanism of disease; Not observed at significant frequency in large population cohorts (gnomAD); This variant is associated with the following publications: (PMID: 28191890)

NM_001330588.2(TPP2):c.2665C>T (p.Arg889Ter)

Gene: TPP2 (tripeptidyl peptidase 2; plus strand). Cytogenetic location: 13q33.1.
Variant type: single nucleotide variant.
Coding change: c.2665C>T on transcript NM_001330588.2 (MANE Select); coding-DNA position 2665, C replaced by T.
Protein change: p.Arg889Ter; replaces arginine 889 with a stop codon.
Molecular consequence: nonsense. On other transcripts: non-coding transcript variant (1).
Genome position (GRCh38, 1-based): chr13:102,648,943, C>T. VCF-style: chr13-102648943-C-T. GRCh37 (hg19) VCF-style: chr13-103301293-C-T.
Other names: c.2665C>T, p.Arg889Ter (NM_001367947.1, NM_003291.4); short protein forms R889*.
Identifiers: ClinVar variation 1804520 (VCV001804520.1), dbSNP rs1419487180, ClinGen allele CA388500978.